The following is an entry in ClinVar:

ClinVar aggregate classification (germline): Uncertain significance (1 of 4 stars; one submission).

Allele frequency attached by ClinVar (database versions not stated): gnomAD exomes 0.00003.
gnomAD v4.1: 52 of 1,609,522 alleles (0.0032%); highest among the groups gnomAD compares: Non-Finnish European, 0.0042%; no homozygotes.

Submission:

Labcorp Genetics (formerly Invitae), Labcorp
Classification: Uncertain significance. Last evaluated: 2023-10-13. Review status: criteria provided, single submitter. Criteria: Invitae Variant Classification Sherloc (09022015). Collection method: clinical testing. Allele origin: germline.
Comment: This sequence change falls in intron 19 of the HYOU1 gene. It does not directly change the encoded amino acid sequence of the HYOU1 protein. This variant is present in population databases (rs373557923, gnomAD 0.004%). This variant has not been reported in the literature in individuals affected with HYOU1-related conditions. ClinVar contains an entry for this variant (Variation ID: 1902720). In summary, the available evidence is currently insufficient to determine the role of this variant in disease. Therefore, it has been classified as a Variant of Uncertain Significance.

NM_006389.5(HYOU1):c.2254-11C>T

Gene: HYOU1 (hypoxia up-regulated 1; minus strand). Cytogenetic location: 11q23.3.
Variant type: single nucleotide variant.
Coding change: c.2254-11C>T on transcript NM_006389.5 (MANE Select); 11 bases into the intron before coding-DNA position 2254, C replaced by T.
Molecular consequence: intron variant.
Genome position (GRCh38, 1-based): chr11:119,048,381, G>A on the plus strand (C>T on the coding strand, the complement: HYOU1 is on the minus strand). VCF-style: chr11-119048381-G-A. GRCh37 (hg19) VCF-style: chr11-118919093-G-A.
Other names: c.2254-11C>T (NM_001130991.3).
Identifiers: ClinVar variation 1902720 (VCV001902720.5), dbSNP rs373557923, ClinGen allele CA229618691.